The following is an entry in ClinVar:

ClinVar aggregate classification (germline): Uncertain significance (1 of 4 stars; one submission).

Conditions:
Primary ciliary dyskinesia. Also called: Ciliary dyskinesia. Identifiers: Orphanet 244, MedGen C0008780, MONDO:0016575, HP:0012265.

Allele frequency attached by ClinVar (database versions not stated): gnomAD below 0.00001 and 0.00003; TOPMed below 0.00001; gnomAD exomes 0.00002 and 0.00003; ExAC 0.00003.
gnomAD v4.1: 29 of 1,613,996 alleles (0.0018%); highest among the groups gnomAD compares: South Asian, 0.032%; no homozygotes.

Submission:

Labcorp Genetics (formerly Invitae), Labcorp
Classification: Uncertain significance for Primary ciliary dyskinesia. Last evaluated: 2021-08-31. Review status: criteria provided, single submitter. Criteria: Invitae Variant Classification Sherloc (09022015). Collection method: clinical testing. Allele origin: germline.
Comment: This sequence change replaces lysine with arginine at codon 68 of the RSPH4A protein (p.Lys68Arg). The lysine residue is weakly conserved and there is a small physicochemical difference between lysine and arginine. The frequency data for this variant in the population databases is considered unreliable, as metrics indicate poor data quality at this position in the ExAC database. This variant has not been reported in the literature in individuals affected with RSPH4A-related conditions. Algorithms developed to predict the effect of missense changes on protein structure and function output the following: SIFT: "Tolerated"; PolyPhen-2: "Benign"; Align-GVGD: "Class C0". The arginine amino acid residue is found in multiple mammalian species, which suggests that this missense change does not adversely affect protein function. In summary, the available evidence is currently insufficient to determine the role of this variant in disease. Therefore, it has been classified as a Variant of Uncertain Significance.

NM_001010892.3(RSPH4A):c.203A>G (p.Lys68Arg)

Gene: RSPH4A (radial spoke head component 4A; plus strand). Cytogenetic location: 6q22.1.
Variant type: single nucleotide variant.
Coding change: c.203A>G on transcript NM_001010892.3 (MANE Select); coding-DNA position 203, A replaced by G.
Protein change: p.Lys68Arg; replaces lysine 68 with arginine.
Molecular consequence: missense variant.
Genome position (GRCh38, 1-based): chr6:116,616,826, A>G. VCF-style: chr6-116616826-A-G. GRCh37 (hg19) VCF-style: chr6-116937989-A-G.
Other names: c.203A>G, p.Lys68Arg (NM_001161664.2); short protein forms K68R.
Identifiers: ClinVar variation 525444 (VCV000525444.8), dbSNP rs748597085, ClinGen allele CA3970720.